The following is an entry in ClinVar:

ClinVar aggregate classification (germline): Pathogenic (1 of 4 stars; one submission).

Conditions:
Neurofibromatosis, type 1 (NF1). Also called: VON RECKLINGHAUSEN DISEASE; NEUROFIBROMATOSIS, TYPE I, SOMATIC; Peripheral type neurofibromatosis; Neurofibromatosis, type I. Identifiers: Orphanet 636, MedGen C0027831, MONDO:0018975, OMIM 162200. Disease mechanism: loss of function.

Submission:

Labcorp Genetics (formerly Invitae), Labcorp
Classification: Pathogenic for Neurofibromatosis, type 1. Last evaluated: 2024-10-19. Review status: criteria provided, single submitter. Criteria: Invitae Variant Classification Sherloc (09022015). Collection method: clinical testing. Allele origin: germline.
Comment: This sequence change creates a premature translational stop signal (p.Cys1661Serfs*17) in the NF1 gene. It is expected to result in an absent or disrupted protein product. Loss-of-function variants in NF1 are known to be pathogenic (PMID: 10712197, 23913538). This variant is not present in population databases (gnomAD no frequency). This variant has not been reported in the literature in individuals affected with NF1-related conditions. For these reasons, this variant has been classified as Pathogenic.

Literature cited by the submitters: PubMed 10712197; PubMed 23913538.

NM_001042492.3(NF1):c.5043_5044dup (p.Cys1682fs)

Gene: NF1 (neurofibromin 1; plus strand). Cytogenetic location: 17q11.2.
Variant type: Duplication.
Coding change: c.5043_5044dup on transcript NM_001042492.3 (MANE Select); coding-DNA positions 5043 to 5044, 2 bases duplicated (CT; older notation c.5043_5044dupCT).
Protein change: p.Cys1682fs; shifts the reading frame from cysteine 1682.
Molecular consequence: frameshift variant.
Genome position (GRCh38, 1-based): chr17:31,326,027-31,326,028, CT duplicated. VCF-style (leftmost placement, unchanged base first): chr17-31326026-A-ACT. GRCh37 (hg19) VCF-style: chr17-29653044-A-ACT.
Other names: c.4980_4981dup, p.Cys1661Serfs (NM_000267.4); short protein forms C1661fs, C1682fs.
Identifiers: ClinVar variation 3723293 (VCV003723293.2).
Genomic context (GRCh38, chr17:31,326,026, plus strand): 5'-AGTGGTTTGTTGTTTTTCCTGGCTTTGCTTACGACAACGTCTCCGCAGTCTATATCTATA[A>ACT]CTGTAACTCCTGGGTCAGGGAGTACACCAAGTATCATGAGCGGCTGCTGACTGGCCTCAA-3'